The following is an entry in ClinVar:

NM_001127222.2(CACNA1A):c.3530C>A (p.Pro1177His)

Gene: CACNA1A (calcium voltage-gated channel subunit alpha1 A; minus strand). Cytogenetic location: 19p13.13.
Variant type: single nucleotide variant.
Coding change: c.3530C>A on transcript NM_001127222.2 (MANE Select); coding-DNA position 3530, C replaced by A.
Protein change: p.Pro1177His; replaces proline 1177 with histidine.
Molecular consequence: missense variant.
Genome position (GRCh38, 1-based): chr19:13,286,526, G>T on the plus strand (C>A on the coding strand, the complement: CACNA1A is on the minus strand). VCF-style: chr19-13286526-G-T. GRCh37 (hg19) VCF-style: chr19-13397340-G-T.
Other names: c.3542C>A, p.Pro1181His (NM_000068.4, NM_023035.3); c.3533C>A, p.Pro1178His (NM_001127221.2, NM_001174080.2); short protein forms P1177H, P1178H, P1181H.
Identifiers: ClinVar variation 2133930 (VCV002133930.5), dbSNP rs201789073, ClinGen allele CA9240298.

ClinVar aggregate classification (germline): Conflicting classifications of pathogenicity. Review status: criteria provided, conflicting classifications (1 of 4 stars). 2 submissions from 2 submitters: Uncertain significance (1); Likely benign (1). Last evaluated 2025-11-28.

Conditions:
Episodic ataxia type 2 (EA2). Also called: ACETAZOLAMIDE-RESPONSIVE HEREDITARY PAROXYSMAL CEREBELLAR ATAXIA; ATAXIA, EPISODIC, WITH NYSTAGMUS; ATAXIA, FAMILIAL PAROXYSMAL; CEREBELLAR ATAXIA, PAROXYSMAL, ACETAZOLAMIDE-RESPONSIVE; CEREBELLOPATHY, HEREDITARY PAROXYSMAL; EPISODIC ATAXIA, NYSTAGMUS-ASSOCIATED. Identifiers: Orphanet 97, MedGen C1720416, MONDO:0007163, OMIM 108500.
Developmental and epileptic encephalopathy, 42 (DEE42A). Also called: EPILEPTIC ENCEPHALOPATHY, EARLY INFANTILE, 42A; DEVELOPMENTAL AND EPILEPTIC ENCEPHALOPATHY 42A; Epileptic encephalopathy, early infantile, 42. Identifiers: MedGen C4310716, MONDO:0014917, OMIM 617106.

gnomAD v4.1: 5 of 1,494,854 alleles (0.00033%); highest among the groups gnomAD compares: African/African-American, 0.0028%; no homozygotes.

Submissions (2):

Labcorp Genetics (formerly Invitae), Labcorp
Classification: Likely benign for Developmental and epileptic encephalopathy, 42; Episodic ataxia type 2. Last evaluated: 2025-11-28. Review status: criteria provided, single submitter. Criteria: Invitae Variant Classification Sherloc (09022015). Collection method: clinical testing. Allele origin: germline.

GeneDx
Classification: Uncertain significance. Last evaluated: 2024-12-18. Review status: criteria provided, single submitter. Criteria: GeneDx Variant Classification Process June 2021. Collection method: clinical testing. Allele origin: germline. Affected: yes.
Comment: Not observed at significant frequency in large population cohorts (gnomAD); In silico analysis supports that this missense variant has a deleterious effect on protein structure/function; Has not been previously published as pathogenic or benign to our knowledge